The following is an entry in ClinVar:

ClinVar aggregate classification (germline): Pathogenic/Likely pathogenic. Review status: criteria provided, multiple submitters, no conflicts (2 of 4 stars). 2 submissions from 2 submitters: Pathogenic (1); Likely pathogenic (1). Last evaluated 2024-10-08.

Conditions:
PKD1-related disorder. Also called: PKD1-related condition.
Polycystic kidney disease, adult type (PKD1). Also called: Polycystic Kidney Disease 1, Autosomal Dominant; Polycystic kidney disease 1; Polycystic kidney disease 1, severe; POLYCYSTIC KIDNEY DISEASE 1 WITH OR WITHOUT POLYCYSTIC LIVER DISEASE; POLYCYSTIC KIDNEY DISEASE, ADULT, TYPE I; Polycystic Kidney, Autosomal Dominant. Identifiers: MedGen C3149841, MONDO:0008263, OMIM 173900.

Submissions (2):

Victorian Clinical Genetics Services, Murdoch Childrens Research Institute
Classification: Pathogenic for Polycystic kidney disease, adult type. Last evaluated: 2024-10-08. Review status: criteria provided, single submitter. Criteria: ACMG Guidelines, 2015. Collection method: clinical testing. Allele origin: germline. Inheritance: Autosomal dominant inheritance. Affected: yes.
Comment: Based on the classification scheme VCGS_Germline_v1.3.4, this variant is classified as Pathogenic. Following criteria are met: 0102 - Loss of function is a known mechanism of disease in this gene and is associated with polycystic kidney disease 1 (MIM#173900). (I) 0107 - This gene is associated with autosomal dominant disease. Polycystic kidney disease 1 (MIM#173900) is predominantly caused by monoallelic variants, with rare reports of biallelic variants causing disease (OMIM). (I) 0201 - Variant is predicted to cause nonsense-mediated decay (NMD) and loss of protein (premature termination codon is located at least 54 nucleotides upstream of the final exon-exon junction). (SP) 0251 - This variant is heterozygous. (I) 0301 - Variant is absent from gnomAD (both v2 and v3). (SP) 0701 - Other NMD-predicted variants comparable to the one identified in this case have very strong previous evidence for pathogenicity (DECIPHER). (SP) 0803 - This variant has limited previous evidence of pathogenicity in an unrelated individuals. The same protein outcome due to a different nucleotide substitution has been reported as pathogenic once (ClinVar). (SP) 0905 - No published segregation evidence has been identified for this variant. (I) 1007 - No published functional evidence has been identified for this variant. (I) 1208 - Inheritance information for this variant is not currently available in this individual. (I) Legend: (SP) - Supporting pathogenic, (I) - Information, (SB) - Supporting benign

Blueprint Genetics
Classification: Likely pathogenic for PKD1-related disorders. Last evaluated: 2020-03-04. Review status: criteria provided, single submitter. Criteria: ACMG Guidelines, 2015. Collection method: clinical testing. Allele origin: germline. Affected: yes. Observed: 1 variant allele.

NM_001009944.3(PKD1):c.5160G>A (p.Trp1720Ter)

Gene: PKD1 (polycystin 1, transient receptor potential channel interacting; minus strand). Cytogenetic location: 16p13.3.
Variant type: single nucleotide variant.
Coding change: c.5160G>A on transcript NM_001009944.3 (MANE Select); coding-DNA position 5160, G replaced by A.
Protein change: p.Trp1720Ter; replaces tryptophan 1720 with a stop codon.
Molecular consequence: nonsense.
Genome position (GRCh38, 1-based): chr16:2,110,007, C>T on the plus strand (G>A on the coding strand, the complement: PKD1 is on the minus strand). VCF-style: chr16-2110007-C-T. GRCh37 (hg19) VCF-style: chr16-2160008-C-T.
Other names: c.5160G>A, p.Trp1720Ter (NM_000296.4); short protein forms W1720*.
Identifiers: ClinVar variation 3376948 (VCV003376948.2).
Genomic context (GRCh38, chr16:2,110,007, plus strand): 5'-GGCACTGAGGGTGACGCTTGTGTTGACGGCAGCTGGGTTCGGGGAGGCGGCCACCATCAG[C>T]CACCCCACAGGCTCCACGAAGTCCATGGTGCAGTCGGCCCAGGCGCTGCCCAGCATGTTG-3'